The following is an entry in ClinVar:

ClinVar aggregate classification (germline): Uncertain significance (1 of 4 stars; one submission).

gnomAD v4.1: 9 of 1,612,642 alleles (0.00056%); highest among the groups gnomAD compares: Middle Eastern, 0.017%; no homozygotes.

Submission:

Labcorp Genetics (formerly Invitae), Labcorp
Classification: Uncertain significance. Last evaluated: 2025-01-23. Review status: criteria provided, single submitter. Criteria: Invitae Variant Classification Sherloc (09022015). Collection method: clinical testing. Allele origin: germline.
Comment: This sequence change falls in intron 7 of the TBX6 gene. It does not directly change the encoded amino acid sequence of the TBX6 protein. It affects a nucleotide within the consensus splice site. This variant is not present in population databases (gnomAD no frequency). This variant has not been reported in the literature in individuals affected with TBX6-related conditions. Variants that disrupt the consensus splice site are a relatively common cause of aberrant splicing (PMID: 17576681, 9536098). Algorithms developed to predict the effect of sequence changes on RNA splicing suggest that this variant may disrupt the consensus splice site. In summary, the available evidence is currently insufficient to determine the role of this variant in disease. Therefore, it has been classified as a Variant of Uncertain Significance.

Literature cited by the submitters: PubMed 17576681; PubMed 9536098.

NM_004608.4(TBX6):c.914-3C>G

Gene: TBX6 (T-box transcription factor 6; minus strand). Cytogenetic location: 16p11.2.
Variant type: single nucleotide variant.
Coding change: c.914-3C>G on transcript NM_004608.4 (MANE Select); 3 bases into the intron before coding-DNA position 914, C replaced by G.
Molecular consequence: intron variant.
Genome position (GRCh38, 1-based): chr16:30,086,698, G>C on the plus strand (C>G on the coding strand, the complement: TBX6 is on the minus strand). VCF-style: chr16-30086698-G-C. GRCh37 (hg19) VCF-style: chr16-30098019-G-C.
Identifiers: ClinVar variation 3675465 (VCV003675465.2).
Genomic context (GRCh38, chr16:30,086,698, plus strand): 5'-GGATCTGATTCACGAATGTCTCCACCCAGGGTGGAGTCGCAGGGACCACCTGGTGTGTCT[G>C]GGGAGAGGGAAGGGAGAGGTTGGGCTAGGGAGGATCCCTGTCTCAGGCCTGGCCCCATCG-3'